The following is an entry in ClinVar:

NM_005359.6(SMAD4):c.1437T>G (p.Ala479=)

Gene: SMAD4 (SMAD family member 4; plus strand). Cytogenetic location: 18q21.2.
Variant type: single nucleotide variant.
Coding change: c.1437T>G on transcript NM_005359.6 (MANE Select); coding-DNA position 1437, T replaced by G.
Protein change: p.Ala479=; no amino-acid change (alanine 479 retained).
Molecular consequence: synonymous variant. On other transcripts: non-coding transcript variant (1).
Genome position (GRCh38, 1-based): chr18:51,076,766, T>G. VCF-style: chr18-51076766-T-G. GRCh37 (hg19) VCF-style: chr18-48603136-T-G.
Other names: c.1437T>G, p.Ala479= (NM_001407041.1, NM_001407042.1).
Identifiers: ClinVar variation 5040122 (VCV005040122.1).

ClinVar aggregate classification (germline): Likely benign (1 of 4 stars; one submission).

Submission:

CeGaT Center for Human Genetics Tuebingen
Classification: Likely benign. Last evaluated: 2026-07-01. Review status: criteria provided, single submitter. Criteria: CeGaT Center For Human Genetics Tuebingen Variant Classification Criteria Version 2. Collection method: clinical testing. Allele origin: germline. Affected: yes. Observed: 1 variant allele.
Comment: SMAD4: PM2:Supporting, BP4, BP7